The following is an entry in ClinVar:

NM_203446.3(SYNJ1):c.2505C>A (p.Ser835Arg)

Gene: SYNJ1 (synaptojanin 1; minus strand). Cytogenetic location: 21q22.11.
Variant type: single nucleotide variant.
Coding change: c.2505C>A on transcript NM_203446.3 (MANE Select); coding-DNA position 2505, C replaced by A.
Protein change: p.Ser835Arg; replaces serine 835 with arginine.
Molecular consequence: missense variant.
Genome position (GRCh38, 1-based): chr21:32,657,077, G>T on the plus strand (C>A on the coding strand, the complement: SYNJ1 is on the minus strand). VCF-style: chr21-32657077-G-T. GRCh37 (hg19) VCF-style: chr21-34029387-G-T.
Other names: c.2505C>A, p.Ser835Arg (NM_001160302.2); c.2490C>A, p.Ser830Arg (NM_001160306.2); c.2622C>A, p.Ser874Arg (NM_003895.4); short protein forms S830R, S835R, S874R.
Identifiers: ClinVar variation 809282 (VCV000809282.55), dbSNP rs748032685, ClinGen allele CA10003647.

ClinVar aggregate classification (germline): Uncertain significance. Review status: criteria provided, multiple submitters, no conflicts (2 of 4 stars). 5 submissions from 5 submitters: Uncertain significance (5). Last evaluated 2024-09-25.

Conditions:
Early-onset Parkinson disease 20. Also called: PARKINSON DISEASE 20, AUTOSOMAL RECESSIVE EARLY-ONSET. Identifiers: Orphanet 391411, MedGen C3809824, MONDO:0014233, OMIM 615530.
Developmental and epileptic encephalopathy, 53. Also called: Epileptic encephalopathy, early infantile, 53. Identifiers: MedGen C4479313, MONDO:0033362, OMIM 617389.
Inborn genetic diseases. Identifiers: MedGen C0950123, MeSH D030342.

Allele frequency attached by ClinVar (database versions not stated): TOPMed below 0.00001; gnomAD 0.00001; gnomAD exomes 0.00001 and 0.00002; ExAC 0.00002.

Submissions (5):

ARUP Laboratories, Molecular Genetics and Genomics, ARUP Laboratories
Classification: Uncertain significance. Last evaluated: 2024-09-25. Review status: criteria provided, single submitter. Criteria: ARUP Molecular Germline Variant Investigation Process 2024. Collection method: clinical testing. Allele origin: germline.
Comment: The SYNJ1 c.2622C>A; p.Ser874Arg variant (rs748032685), to our knowledge, is not reported in the medical literature but is reported in ClinVar (Variation ID: 809282). This variant is found in the general population with an overall allele frequency of 0.0018% (5/282256 alleles) in the Genome Aggregation Database (v2.1.1). Computational analyses are uncertain whether this variant is neutral or deleterious (REVEL: 0.306). Due to limited information, the clinical significance of this variant is uncertain at this time.

Ambry Genetics
Classification: Uncertain significance for Inborn genetic diseases. Last evaluated: 2024-09-25. Review status: criteria provided, single submitter. Criteria: Ambry Variant Classification Scheme 2023. Collection method: clinical testing. Allele origin: germline.

CeGaT Center for Human Genetics Tuebingen
Classification: Uncertain significance. Last evaluated: 2023-08-01. Review status: criteria provided, single submitter. Criteria: CeGaT Center For Human Genetics Tuebingen Variant Classification Criteria Version 2. Collection method: clinical testing. Allele origin: germline. Affected: yes. Observed: 2 variant alleles.
Comment: SYNJ1: PM2

Labcorp Genetics (formerly Invitae), Labcorp
Classification: Uncertain significance for Developmental and epileptic encephalopathy, 53; Early-onset Parkinson disease 20. Last evaluated: 2022-10-27. Review status: criteria provided, single submitter. Criteria: Invitae Variant Classification Sherloc (09022015). Collection method: clinical testing. Allele origin: germline.
Comment: This variant is present in population databases (rs748032685, gnomAD 0.004%). This sequence change replaces serine, which is neutral and polar, with arginine, which is basic and polar, at codon 874 of the SYNJ1 protein (p.Ser874Arg). This variant has not been reported in the literature in individuals affected with SYNJ1-related conditions. In summary, the available evidence is currently insufficient to determine the role of this variant in disease. Therefore, it has been classified as a Variant of Uncertain Significance. Advanced modeling of protein sequence and biophysical properties (such as structural, functional, and spatial information, amino acid conservation, physicochemical variation, residue mobility, and thermodynamic stability) performed at Invitae indicates that this missense variant is not expected to disrupt SYNJ1 protein function. ClinVar contains an entry for this variant (Variation ID: 809282).

Centre for Mendelian Genomics, University Medical Centre Ljubljana
Classification: Uncertain significance for Developmental and epileptic encephalopathy, 53. Last evaluated: 2019-04-01. Review status: criteria provided, single submitter. Criteria: ACMG Guidelines, 2015. Collection method: clinical testing. Allele origin: unknown. Affected: yes.
Comment: This variant was classified as: Uncertain significance. The available evidence favors the pathogenic nature of this variant, however the currently available data is insufficient to conclusively support its pathogenic nature. Thus this variant is classified as Uncertain significance - favor pathogenic. The following ACMG criteria were applied in classifying this variant: PM2.